The following is an entry in ClinVar:

ClinVar aggregate classification (germline): Uncertain significance (1 of 4 stars; one submission).

Conditions:
Neurofibromatosis, type 1 (NF1). Also called: VON RECKLINGHAUSEN DISEASE; Neurofibromatosis, type I; NEUROFIBROMATOSIS, TYPE I, SOMATIC; Peripheral type neurofibromatosis. Identifiers: Orphanet 636, MedGen C0027831, MONDO:0018975, OMIM 162200. Disease mechanism: loss of function.

Submission:

Labcorp Genetics (formerly Invitae), Labcorp
Classification: Uncertain significance for Neurofibromatosis, type 1. Last evaluated: 2025-09-05. Review status: criteria provided, single submitter. Criteria: Invitae Variant Classification Sherloc (09022015). Collection method: clinical testing. Allele origin: germline.
Comment: This sequence change replaces alanine, which is neutral and non-polar, with serine, which is neutral and polar, at codon 2485 of the NF1 protein (p.Ala2485Ser). This variant is not present in population databases (gnomAD no frequency). This variant has not been reported in the literature in individuals affected with NF1-related conditions. Invitae Evidence Modeling of protein sequence and biophysical properties (such as structural, functional, and spatial information, amino acid conservation, physicochemical variation, residue mobility, and thermodynamic stability) indicates that this missense variant is not expected to disrupt NF1 protein function with a negative predictive value of 95%. In summary, the available evidence is currently insufficient to determine the role of this variant in disease. Therefore, it has been classified as a Variant of Uncertain Significance.

NM_001042492.3(NF1):c.7516G>T (p.Ala2506Ser)

Gene: NF1 (neurofibromin 1; plus strand). Cytogenetic location: 17q11.2.
Variant type: single nucleotide variant.
Coding change: c.7516G>T on transcript NM_001042492.3 (MANE Select); coding-DNA position 7516, G replaced by T.
Protein change: p.Ala2506Ser; replaces alanine 2506 with serine.
Molecular consequence: missense variant.
Genome position (GRCh38, 1-based): chr17:31,352,315, G>T. VCF-style: chr17-31352315-G-T. GRCh37 (hg19) VCF-style: chr17-29679333-G-T.
Other names: c.7453G>T, p.Ala2485Ser (NM_000267.4); short protein forms A2485S, A2506S.
Identifiers: ClinVar variation 4800804 (VCV004800804.1).
Genomic context (GRCh38, chr17:31,352,315, plus strand): 5'-AGGACACTAAAGGAGACTCAGCCATGGTCCTCTCCCAAAGGTTCTGAAGGATACCTTGCA[G>T]CCACCTATCCAACTGTCGGCCAGACCAGTCCCCGAGCCAGGAAATCCATGAGCCTGGACA-3'
Protein context (NP_001035957.1, residues 2496-2516): SPKGSEGYLA[Ala2506Ser]TYPTVGQTSP